The following is an entry in ClinVar:

ClinVar aggregate classification (germline): Likely pathogenic (1 of 4 stars; one submission).

Conditions:
Hypercholesterolemia, familial, 1. Also called: LDL RECEPTOR DISORDER; Hyperlipoproteinemia Type IIa; HYPER-LOW-DENSITY-LIPOPROTEINEMIA; HYPERCHOLESTEROLEMIC XANTHOMATOSIS, FAMILIAL; Fredrickson type IIa hyperlipoproteinemia; Hyperlipoproteinemia type 2. Identifiers: Orphanet 391665, MedGen C0745103, MONDO:0007750, OMIM 143890.

Submission:

U4M - Lille University & CHRU Lille, Université de Lille - CHRU de Lille
Classification: Likely pathogenic for Familial Hypercholesterolemia. Last evaluated: 2017-03-30. Review status: criteria provided, single submitter. Criteria: ACMG Guidelines, 2015. Collection method: clinical testing. Allele origin: germline. Affected: yes. Observed: 1 variant allele.
Comment: ACMG Guidelines: Likely Pathogenic (v)

NM_000527.4:c.[1979A>C;2359G>A]

Variant type: Haplotype.
Identifiers: ClinVar variation 430800 (VCV000430800.1).